The following is an entry in ClinVar:

NM_033026.6(PCLO):c.14135A>G (p.His4712Arg)

Gene: PCLO (piccolo presynaptic cytomatrix protein; minus strand). Cytogenetic location: 7q21.11.
Variant type: single nucleotide variant.
Coding change: c.14135A>G on transcript NM_033026.6 (MANE Select); coding-DNA position 14135, A replaced by G.
Protein change: p.His4712Arg; replaces histidine 4712 with arginine.
Molecular consequence: missense variant.
Genome position (GRCh38, 1-based): chr7:82,838,305, T>C on the plus strand (A>G on the coding strand, the complement: PCLO is on the minus strand). VCF-style: chr7-82838305-T-C. GRCh37 (hg19) VCF-style: chr7-82467621-T-C.
Other names: c.14135A>G, p.His4712Arg (NM_014510.3); short protein forms H4712R.
Identifiers: ClinVar variation 1372112 (VCV001372112.5), dbSNP rs1415670064, ClinGen allele CA367878433.
Genomic context (GRCh38, chr7:82,838,305, plus strand): 5'-ACAAAAGGGTCAGAATAACCATTGTTGTCTCGAGGAACAAGATTTCTTGCTTGGAGAATA[T>C]GTATTATGAGATTTCCAAGATCATAGTTAATTTGAAGCTTTAGGAGAGAGAAAAATATTC-3'
Protein context (NP_149015.2, residues 4702-4722): INYDLGNLII[His4712Arg]ILQARNLVPR

ClinVar aggregate classification (germline): Uncertain significance (1 of 4 stars; one submission).

Allele frequency attached by ClinVar (database versions not stated): gnomAD exomes below 0.00001 and 0.00001; gnomAD 0.00001.
gnomAD v4.1: 21 of 1,540,990 alleles (0.0014%); highest among the groups gnomAD compares: Non-Finnish European, 0.0019%; no homozygotes.

Submission:

Labcorp Genetics (formerly Invitae), Labcorp
Classification: Uncertain significance. Last evaluated: 2022-08-22. Review status: criteria provided, single submitter. Criteria: Invitae Variant Classification Sherloc (09022015). Collection method: clinical testing. Allele origin: germline.
Comment: In summary, the available evidence is currently insufficient to determine the role of this variant in disease. Therefore, it has been classified as a Variant of Uncertain Significance. Algorithms developed to predict the effect of missense changes on protein structure and function are either unavailable or do not agree on the potential impact of this missense change (SIFT: "Deleterious"; PolyPhen-2: "Not Available"; Align-GVGD: "Class C0"). ClinVar contains an entry for this variant (Variation ID: 1372112). This variant has not been reported in the literature in individuals affected with PCLO-related conditions. The frequency data for this variant in the population databases is considered unreliable, as metrics indicate poor data quality at this position in the gnomAD database. This sequence change replaces histidine, which is basic and polar, with arginine, which is basic and polar, at codon 4712 of the PCLO protein (p.His4712Arg).